The following is an entry in ClinVar:

NM_001371727.1(GABRB2):c.233A>G (p.Asn78Ser)

Gene: GABRB2 (gamma-aminobutyric acid type A receptor subunit beta2; minus strand). Cytogenetic location: 5q34.
Variant type: single nucleotide variant.
Coding change: c.233A>G on transcript NM_001371727.1 (MANE Select); coding-DNA position 233, A replaced by G.
Protein change: p.Asn78Ser; replaces asparagine 78 with serine.
Molecular consequence: missense variant.
Genome position (GRCh38, 1-based): chr5:161,545,231, T>C on the plus strand (A>G on the coding strand, the complement: GABRB2 is on the minus strand). VCF-style: chr5-161545231-T-C. GRCh37 (hg19) VCF-style: chr5-160972237-T-C.
Other names: c.233A>G, p.Asn78Ser (NM_000813.3, NM_021911.3); c.233A>G (NM_021911.2); short protein forms N78S.
Identifiers: ClinVar variation 3709257 (VCV003709257.3).

ClinVar aggregate classification (germline): Conflicting classifications of pathogenicity. Review status: criteria provided, conflicting classifications (1 of 4 stars). 2 submissions from 2 submitters: Uncertain significance (1); Likely benign (1). Last evaluated 2025-06-24.

Conditions:
Intellectual disability. Also called: Intellectual developmental disorder; Intellectual functioning disability; intellectual disabilities. Identifiers: MedGen C3714756, MeSH D008607, MONDO:0001071, HP:0001249.

gnomAD v4.1: 1 of 1,604,000 alleles (0.000062%); highest among the groups gnomAD compares: Non-Finnish European, 0.000085%; no homozygotes.

Submissions (2):

GeneDx
Classification: Uncertain significance. Last evaluated: 2025-06-24. Review status: criteria provided, single submitter. Criteria: GeneDx Variant Classification Process June 2021. Collection method: clinical testing. Allele origin: germline. Affected: yes.
Comment: Not observed at significant frequency in large population cohorts (gnomAD); In silico analysis supports that this missense variant has a deleterious effect on protein structure/function; Has not been previously published as pathogenic or benign to our knowledge

Labcorp Genetics (formerly Invitae), Labcorp
Classification: Likely benign for Intellectual disability. Last evaluated: 2024-08-06. Review status: criteria provided, single submitter. Criteria: Invitae Variant Classification Sherloc (09022015). Collection method: clinical testing. Allele origin: germline.